The following is an entry in ClinVar:

NM_001197104.2(KMT2A):c.10930A>G (p.Asn3644Asp)

Gene: KMT2A (lysine methyltransferase 2A; plus strand). Cytogenetic location: 11q23.3.
Variant type: single nucleotide variant.
Coding change: c.10930A>G on transcript NM_001197104.2 (MANE Select); coding-DNA position 10930, A replaced by G.
Protein change: p.Asn3644Asp; replaces asparagine 3644 with aspartic acid.
Molecular consequence: missense variant.
Genome position (GRCh38, 1-based): chr11:118,509,977, A>G. VCF-style: chr11-118509977-A-G. GRCh37 (hg19) VCF-style: chr11-118380692-A-G.
Other names: c.11020A>G, p.Asn3674Asp (NM_001412597.1); c.10921A>G, p.Asn3641Asp (NM_005933.4); short protein forms N3641D, N3674D, N3644D.
Identifiers: ClinVar variation 3713833 (VCV003713833.2).

ClinVar aggregate classification (germline): Uncertain significance (1 of 4 stars; one submission).

gnomAD v4.1: 1 of 1,611,250 alleles (0.000062%); highest among the groups gnomAD compares: East Asian, 0.0022%; no homozygotes.

Submission:

Labcorp Genetics (formerly Invitae), Labcorp
Classification: Uncertain significance. Last evaluated: 2024-06-21. Review status: criteria provided, single submitter. Criteria: Invitae Variant Classification Sherloc (09022015). Collection method: clinical testing. Allele origin: germline.
Comment: This sequence change replaces asparagine, which is neutral and polar, with aspartic acid, which is acidic and polar, at codon 3644 of the KMT2A protein (p.Asn3644Asp). This variant is present in population databases (no rsID available, gnomAD 0.006%). This variant has not been reported in the literature in individuals affected with KMT2A-related conditions. Advanced modeling of protein sequence and biophysical properties (such as structural, functional, and spatial information, amino acid conservation, physicochemical variation, residue mobility, and thermodynamic stability) performed at Invitae indicates that this missense variant is not expected to disrupt KMT2A protein function with a negative predictive value of 95%. In summary, the available evidence is currently insufficient to determine the role of this variant in disease. Therefore, it has been classified as a Variant of Uncertain Significance.